The following is an entry in ClinVar:

NM_004958.4(MTOR):c.7593A>G (p.Gln2531=)

Gene: MTOR (mechanistic target of rapamycin kinase; minus strand). Cytogenetic location: 1p36.22.
Variant type: single nucleotide variant.
Coding change: c.7593A>G on transcript NM_004958.4 (MANE Select); coding-DNA position 7593, A replaced by G.
Protein change: p.Gln2531=; no amino-acid change (glutamine 2531 retained).
Molecular consequence: synonymous variant.
Genome position (GRCh38, 1-based): chr1:11,108,222, T>C on the plus strand (A>G on the coding strand, the complement: MTOR is on the minus strand). VCF-style: chr1-11108222-T-C. GRCh37 (hg19) VCF-style: chr1-11168279-T-C.
Identifiers: ClinVar variation 696762 (VCV000696762.16), dbSNP rs149314441, ClinGen allele CA588784.
Genomic context (GRCh38, chr1:11,108,222, plus strand): 5'-CTTTGAGAGCCCCACTCACCAGCCAATATAGCACTGGCAGAGGTTTTCATGGGATGTCGC[T>C]TGTTTGATGAGCAGCTCAACTTGCGTTGGAACATCCAAAGTGTCATCATGAGAGAAGTCC-3'
Protein context (NP_004949.1, residues 2521-2541): VPTQVELLIK[Gln2531=]ATSHENLCQC

ClinVar aggregate classification (germline): Benign/Likely benign. Review status: criteria provided, multiple submitters, no conflicts (2 of 4 stars). 4 submissions from 4 submitters: Benign (2); Likely benign (1). 1 of the submissions does not count toward it. Last evaluated 2026-01-26.

Conditions:
MTOR-related disorder. Also called: MTOR-related condition.

Allele frequency attached by ClinVar (database versions not stated): gnomAD exomes 0.00003 and 0.00011; ExAC 0.00015; ESP Exome Variant Server 0.00046; gnomAD 0.00048 and 0.00052; TOPMed 0.00053.
gnomAD v4.1: 124 of 1,613,792 alleles (0.0077%); highest among the groups gnomAD compares: African/African-American, 0.16%; 2 homozygotes.

Submissions (4):

Labcorp Genetics (formerly Invitae), Labcorp
Classification: Benign. Last evaluated: 2026-01-26. Review status: criteria provided, single submitter. Criteria: Invitae Variant Classification Sherloc (09022015). Collection method: clinical testing. Allele origin: germline.

Blueprint Genetics
Classification: Likely benign. Last evaluated: 2024-11-25. Review status: criteria provided, single submitter. Criteria: ACMG Guidelines, 2015. Collection method: clinical testing. Allele origin: germline.

GeneDx
Classification: Benign. Last evaluated: 2020-02-04. Review status: criteria provided, single submitter. Criteria: GeneDx Variant Classification Process June 2021. Collection method: clinical testing. Allele origin: germline. Affected: yes.

PreventionGenetics, part of Exact Sciences
Classification: Likely benign for MTOR-related condition. Last evaluated: 2021-04-14. Review status: no assertion criteria provided. Collection method: clinical testing. Allele origin: germline. Not counted in ClinVar's aggregate classification.
Comment: This variant is classified as likely benign based on ACMG/AMP sequence variant interpretation guidelines (Richards et al. 2015 PMID: 25741868, with internal and published modifications).